The following is an entry in ClinVar:

ClinVar aggregate classification (germline): Uncertain significance. Review status: criteria provided, multiple submitters, no conflicts (2 of 4 stars). 2 submissions from 2 submitters: Uncertain significance (2). Last evaluated 2024-12-08.

Conditions:
Inborn genetic diseases. Identifiers: MedGen C0950123, MeSH D030342.

Allele frequency attached by ClinVar (database versions not stated): ExAC 0.00001; gnomAD 0.00001; 1000 Genomes Project 30x 0.00016; 1000 Genomes Project 0.00020.
gnomAD v4.1: 2 of 1,613,408 alleles (0.00012%); highest among the groups gnomAD compares: Admixed American, 0.0033%; no homozygotes.

Submissions (2):

Ambry Genetics
Classification: Uncertain significance for Inborn genetic diseases. Last evaluated: 2024-12-08. Review status: criteria provided, single submitter. Criteria: Ambry Variant Classification Scheme 2023. Collection method: clinical testing. Allele origin: germline.
Comment: The p.K916N variant (also known as c.2748G>T), located in coding exon 1 of the SAMD9 gene, results from a G to T substitution at nucleotide position 2748. The lysine at codon 916 is replaced by asparagine, an amino acid with similar properties. This amino acid position is conserved. In addition, this alteration is predicted to be tolerated by in silico analysis. Based on the available evidence, the clinical significance of this variant remains unclear.

Labcorp Genetics (formerly Invitae), Labcorp
Classification: Uncertain significance. Last evaluated: 2023-11-25. Review status: criteria provided, single submitter. Criteria: Invitae Variant Classification Sherloc (09022015). Collection method: clinical testing. Allele origin: germline.
Comment: This sequence change replaces lysine, which is basic and polar, with asparagine, which is neutral and polar, at codon 916 of the SAMD9 protein (p.Lys916Asn). This variant is present in population databases (rs549974601, gnomAD 0.003%). This variant has not been reported in the literature in individuals affected with SAMD9-related conditions. Advanced modeling of protein sequence and biophysical properties (such as structural, functional, and spatial information, amino acid conservation, physicochemical variation, residue mobility, and thermodynamic stability) performed at Invitae indicates that this missense variant is not expected to disrupt SAMD9 protein function with a negative predictive value of 95%. In summary, the available evidence is currently insufficient to determine the role of this variant in disease. Therefore, it has been classified as a Variant of Uncertain Significance.

NM_017654.4(SAMD9):c.2748G>T (p.Lys916Asn)

Gene: SAMD9 (sterile alpha motif domain containing 9; minus strand). Cytogenetic location: 7q21.2.
Variant type: single nucleotide variant.
Coding change: c.2748G>T on transcript NM_017654.4 (MANE Select); coding-DNA position 2748, G replaced by T.
Protein change: p.Lys916Asn; replaces lysine 916 with asparagine.
Molecular consequence: missense variant.
Genome position (GRCh38, 1-based): chr7:93,103,350, C>A on the plus strand (G>T on the coding strand, the complement: SAMD9 is on the minus strand). VCF-style: chr7-93103350-C-A. GRCh37 (hg19) VCF-style: chr7-92732663-C-A.
Other names: c.2748G>T, p.Lys916Asn (NM_001193307.2); c.2748G>T (NM_017654.3); short protein forms K916N.
Identifiers: ClinVar variation 2989708 (VCV002989708.2), dbSNP rs549974601, ClinGen allele CA4342788.